The following is an entry in ClinVar:

ClinVar aggregate classification (germline): Likely pathogenic (1 of 4 stars; one submission).

Conditions:
Primary hyperoxaluria type 3. Also called: PH III. Identifiers: Orphanet 416, Orphanet 93600, MedGen C3150878, MONDO:0013327, OMIM 613616. Disease mechanism: loss of function.

Allele frequency attached by ClinVar (database versions not stated): gnomAD 0.00001; TOPMed 0.00002.
gnomAD v4.1: 36 of 1,613,038 alleles (0.0022%); highest among the groups gnomAD compares: Non-Finnish European, 0.0029%; no homozygotes.

Submission:

Victorian Clinical Genetics Services, Murdoch Childrens Research Institute
Classification: Likely pathogenic for Primary hyperoxaluria type 3. Last evaluated: 2023-07-17. Review status: criteria provided, single submitter. Criteria: ACMG Guidelines, 2015. Collection method: clinical testing. Allele origin: germline. Inheritance: Autosomal recessive inheritance. Affected: yes.
Comment: Based on the classification scheme VCGS_Germline_v1.3.4, this variant is classified as Likely pathogenic. Following criteria are met: 0102 - Loss of function is a known mechanism of disease in this gene and is associated with primary hyperoxaluria type III (MIM#613616). (I) 0106 - This gene is associated with autosomal recessive disease. (I) 0115 - Variants in this gene are known to have variable expressivity with regard to phenotype severity and age of onset (PMID: 25644115). (I) 0200 - Variant is predicted to result in a missense amino acid change from tryptophan to glycine. (I) 0251 - This variant is heterozygous. (I) 0304 - Variant is present in gnomAD (v2) <0.01 for a recessive condition (2 heterozygotes, 0 homozygotes). (SP) 0309 - An alternative amino acid change at the same position has been observed in gnomAD (v2) (1 heterozygote, 0 homozygotes). (I) 0502 - Missense variant with conflicting in silico predictions and uninformative conservation. (I) 0600 - Variant is located in the annotated dihydrodipicolinate synthetase family domain (DECIPHER). (I) 0705 - No comparable missense variants have previous evidence for pathogenicity. (I) 0807 - This variant has no previous evidence of pathogenicity. (I) 0905 - No published segregation evidence has been identified for this variant. (I) 1007 - No published functional evidence has been identified for this variant. (I) 1101 - Very strong and specific phenotype match for this individual. (SP) 1201 - Heterozygous variant detected in trans with a second pathogenic heterozygous variant (c.700+5G>T) in a recessive disease. (I) Legend: (SP) - Supporting pathogenic, (I) - Information, (SB) - Supporting benign

Literature cited by the submitters: PubMed 25644115.

NM_138413.4(HOGA1):c.784T>G (p.Trp262Gly)

Gene: HOGA1 (4-hydroxy-2-oxoglutarate aldolase 1; plus strand). Cytogenetic location: 10q24.2.
Variant type: single nucleotide variant.
Coding change: c.784T>G on transcript NM_138413.4 (MANE Select); coding-DNA position 784, T replaced by G.
Protein change: p.Trp262Gly; replaces tryptophan 262 with glycine.
Molecular consequence: missense variant.
Genome position (GRCh38, 1-based): chr10:97,601,940, T>G. VCF-style: chr10-97601940-T-G. GRCh37 (hg19) VCF-style: chr10-99361697-T-G.
Other names: c.295T>G, p.Trp99Gly (NM_001134670.2); short protein forms W262G, W99G.
Identifiers: ClinVar variation 3255164 (VCV003255164.1), dbSNP rs773306071.